The following is an entry in ClinVar:

ClinVar aggregate classification (germline): Uncertain significance. Review status: criteria provided, multiple submitters, no conflicts (2 of 4 stars). 2 submissions from 2 submitters: Uncertain significance (2). Last evaluated 2024-11-13.

Conditions:
Encephalopathy, acute, infection-induced (herpes-specific), susceptibility to, 6. Also called: Herpes simplex encephalitis, susceptibility to, 4. Identifiers: Orphanet 1930, MedGen C3553869, MONDO:0013921, OMIM 614850.

Allele frequency attached by ClinVar (database versions not stated): ExAC 0.00001; gnomAD exomes 0.00001.
gnomAD v4.1: 7 of 1,613,478 alleles (0.00043%); highest among the groups gnomAD compares: Non-Finnish European, 0.00051%; no homozygotes.

Submissions (2):

Ambry Genetics
Classification: Uncertain significance. Last evaluated: 2024-11-13. Review status: criteria provided, single submitter. Criteria: Ambry Variant Classification Scheme 2023. Collection method: clinical testing. Allele origin: germline.

Labcorp Genetics (formerly Invitae), Labcorp
Classification: Uncertain significance for Encephalopathy, acute, infection-induced (herpes-specific), susceptibility to, 6. Last evaluated: 2023-06-23. Review status: criteria provided, single submitter. Criteria: Invitae Variant Classification Sherloc (09022015). Collection method: clinical testing. Allele origin: germline.
Comment: In summary, the available evidence is currently insufficient to determine the role of this variant in disease. Therefore, it has been classified as a Variant of Uncertain Significance. Algorithms developed to predict the effect of missense changes on protein structure and function output the following: SIFT: "Not Available"; PolyPhen-2: "Benign"; Align-GVGD: "Not Available". The arginine amino acid residue is found in multiple mammalian species, which suggests that this missense change does not adversely affect protein function. This variant has not been reported in the literature in individuals affected with TICAM1-related conditions. This variant is present in population databases (rs751804319, gnomAD 0.0009%). This sequence change replaces glutamine, which is neutral and polar, with arginine, which is basic and polar, at codon 137 of the TICAM1 protein (p.Gln137Arg).

NM_182919.4(TICAM1):c.410A>G (p.Gln137Arg)

Gene: TICAM1 (TIR domain containing adaptor molecule 1; minus strand). Cytogenetic location: 19p13.3.
Variant type: single nucleotide variant.
Coding change: c.410A>G on transcript NM_182919.4 (MANE Select); coding-DNA position 410, A replaced by G.
Protein change: p.Gln137Arg; replaces glutamine 137 with arginine.
Molecular consequence: missense variant. On other transcripts: intron variant (1).
Genome position (GRCh38, 1-based): chr19:4,817,968, T>C on the plus strand (A>G on the coding strand, the complement: TICAM1 is on the minus strand). VCF-style: chr19-4817968-T-C. GRCh37 (hg19) VCF-style: chr19-4817980-T-C.
Other names: c.368A>G, p.Gln123Arg (NM_001385678.1); c.275A>G, p.Gln92Arg (NM_001385679.1); c.-71-162A>G (NM_001385680.1); c.410A>G (NM_182919.2); short protein forms Q123R, Q92R, Q137R.
Identifiers: ClinVar variation 2918967 (VCV002918967.4), dbSNP rs751804319, ClinGen allele CA9105358.